The following is an entry in ClinVar:

NM_003900.5(SQSTM1):c.703A>G (p.Asn235Asp)

Gene: SQSTM1 (sequestosome 1; plus strand). Cytogenetic location: 5q35.3.
Variant type: single nucleotide variant.
Coding change: c.703A>G on transcript NM_003900.5 (MANE Select); coding-DNA position 703, A replaced by G.
Protein change: p.Asn235Asp; replaces asparagine 235 with aspartic acid.
Molecular consequence: missense variant.
Genome position (GRCh38, 1-based): chr5:179,825,175, A>G. VCF-style: chr5-179825175-A-G. GRCh37 (hg19) VCF-style: chr5-179252175-A-G.
Other names: c.451A>G, p.Asn151Asp (NM_001142298.2, NM_001142299.2); c.703A>G (NM_003900.4); short protein forms N151D, N235D.
Identifiers: ClinVar variation 1476497 (VCV001476497.9), dbSNP rs1467107148, ClinGen allele CA362446388.

ClinVar aggregate classification (germline): Uncertain significance. Review status: criteria provided, multiple submitters, no conflicts (2 of 4 stars). 2 submissions from 2 submitters: Uncertain significance (2). Last evaluated 2025-01-24.

Conditions:
Paget disease of bone 2, early-onset (PDB2). Also called: Paget disease of bone 2. Identifiers: MedGen C4085251, MONDO:0011183, OMIM 602080.
Frontotemporal dementia and/or amyotrophic lateral sclerosis 1 (FTDALS1). Also called: Frontotemporal dementia with motor neuron disease 1; C9orf72 Frontotemporal Dementia and/or Amyotrophic Lateral Sclerosis. Identifiers: Orphanet 275872, MedGen C5779877, MONDO:0007105, OMIM 105550.
Inborn genetic diseases. Identifiers: MedGen C0950123, MeSH D030342.

Allele frequency attached by ClinVar (database versions not stated): gnomAD exomes below 0.00001.
gnomAD v4.1: 1 of 1,614,128 alleles (0.000062%); highest among the groups gnomAD compares: Admixed American, 0.0017%; no homozygotes.

Submissions (2):

Ambry Genetics
Classification: Uncertain significance for Inborn genetic diseases. Last evaluated: 2025-01-24. Review status: criteria provided, single submitter. Criteria: Ambry Variant Classification Scheme 2023. Collection method: clinical testing. Allele origin: germline.

Labcorp Genetics (formerly Invitae), Labcorp
Classification: Uncertain significance for Paget disease of bone 2, early-onset; Frontotemporal dementia and/or amyotrophic lateral sclerosis 1. Last evaluated: 2024-09-05. Review status: criteria provided, single submitter. Criteria: Invitae Variant Classification Sherloc (09022015). Collection method: clinical testing. Allele origin: germline.
Comment: This sequence change replaces asparagine, which is neutral and polar, with aspartic acid, which is acidic and polar, at codon 235 of the SQSTM1 protein (p.Asn235Asp). This variant is present in population databases (no rsID available, gnomAD 0.003%). This variant has not been reported in the literature in individuals affected with SQSTM1-related conditions. ClinVar contains an entry for this variant (Variation ID: 1476497). Invitae Evidence Modeling of protein sequence and biophysical properties (such as structural, functional, and spatial information, amino acid conservation, physicochemical variation, residue mobility, and thermodynamic stability) indicates that this missense variant is not expected to disrupt SQSTM1 protein function with a negative predictive value of 80%. In summary, the available evidence is currently insufficient to determine the role of this variant in disease. Therefore, it has been classified as a Variant of Uncertain Significance.